The following is an entry in ClinVar:

ClinVar aggregate classification (germline): Benign/Likely benign. Review status: criteria provided, multiple submitters, no conflicts (2 of 4 stars). 6 submissions from 5 submitters: Benign (5); Likely benign (1). Last evaluated 2026-02-01.

Conditions:
Dilated cardiomyopathy 1L (CMD1L). Identifiers: Orphanet 154, MedGen C1847667, MONDO:0011702, OMIM 606685.
Autosomal recessive limb-girdle muscular dystrophy type 2F (LGMDR6). Also called: Muscular dystrophy limb-girdle with delta-sarcoglyan deficiency; MUSCULAR DYSTROPHY, LIMB-GIRDLE, AUTOSOMAL RECESSIVE 6. Identifiers: Orphanet 219, MedGen C1832525, MONDO:0011028, OMIM 601287. Disease mechanism: Affects gamma-sarcoglycan and also disrupts the integrity of the entire sarcoglycan complex..

Allele frequency attached by ClinVar (database versions not stated): ESP Exome Variant Server 0.00008; gnomAD 0.00013 and 0.00023; TOPMed 0.00039; 1000 Genomes Project 30x 0.00109; 1000 Genomes Project 0.00140.
gnomAD v4.1: 360 of 1,611,360 alleles (0.022%); highest among the groups gnomAD compares: East Asian, 0.76%; 3 homozygotes.

Submissions (6):

Labcorp Genetics (formerly Invitae), Labcorp
Classification: Benign for Autosomal recessive limb-girdle muscular dystrophy type 2F. Last evaluated: 2026-02-01. Review status: criteria provided, single submitter. Criteria: Invitae Variant Classification Sherloc (09022015). Collection method: clinical testing. Allele origin: germline.

Blueprint Genetics
Classification: Likely benign. Last evaluated: 2024-10-03. Review status: criteria provided, single submitter. Criteria: ACMG Guidelines, 2015. Collection method: clinical testing. Allele origin: germline.

Women's Health and Genetics/Laboratory Corporation of America, LabCorp
Classification: Benign. Last evaluated: 2023-05-15. Review status: criteria provided, single submitter. Criteria: LabCorp Variant Classification Summary - May 2015. Collection method: clinical testing. Allele origin: germline.

Genome-Nilou Lab
Classification: Benign for Autosomal recessive limb-girdle muscular dystrophy type 2F. Last evaluated: 2023-02-08. Review status: criteria provided, single submitter. Criteria: ACMG Guidelines, 2015. Collection method: clinical testing. Allele origin: germline.

Genome-Nilou Lab
Classification: Benign for Dilated cardiomyopathy 1L. Last evaluated: 2023-02-08. Review status: criteria provided, single submitter. Criteria: ACMG Guidelines, 2015. Collection method: clinical testing. Allele origin: germline.

GeneDx
Classification: Benign. Last evaluated: 2016-03-25. Review status: criteria provided, single submitter. Criteria: GeneDx Variant Classification (06012015). Collection method: clinical testing. Allele origin: germline. Affected: yes.
Comment: This variant is considered likely benign or benign based on one or more of the following criteria: it is a conservative change, it occurs at a poorly conserved position in the protein, it is predicted to be benign by multiple in silico algorithms, and/or has population frequency not consistent with disease.

NM_000337.6(SGCD):c.3+20G>A

Gene: SGCD (sarcoglycan delta; plus strand). Cytogenetic location: 5q33.3.
Variant type: single nucleotide variant.
Coding change: c.3+20G>A on transcript NM_000337.6 (MANE Select); 20 bases into the intron after coding-DNA position 3, G replaced by A.
Molecular consequence: intron variant.
Genome position (GRCh38, 1-based): chr5:156,329,599, G>A. VCF-style: chr5-156329599-G-A. GRCh37 (hg19) VCF-style: chr5-155756609-G-A.
Other names: c.-1+2367G>A (NM_001128209.2); c.3+20G>A (NM_172244.3).
Identifiers: ClinVar variation 139100 (VCV000139100.11), dbSNP rs187786098, ClinGen allele CA293472.